The following is an entry in ClinVar:

NM_000535.7(PMS2):c.706-11T>C

Gene: PMS2 (PMS1 homolog 2, mismatch repair system component; minus strand). Cytogenetic location: 7p22.1.
Variant type: single nucleotide variant.
Coding change: c.706-11T>C on transcript NM_000535.7 (MANE Select); 11 bases into the intron before coding-DNA position 706, T replaced by C.
Molecular consequence: intron variant.
Genome position (GRCh38, 1-based): chr7:5,997,434, A>G on the plus strand (T>C on the coding strand, the complement: PMS2 is on the minus strand). VCF-style: chr7-5997434-A-G. GRCh37 (hg19) VCF-style: chr7-6037065-A-G.
Other names: c.388-11T>C (NM_001322008.2, NM_001322007.2); c.301-11T>C (NM_001322010.2, NM_001322004.2, NM_001322003.2 and 2 more transcripts); c.133-11T>C (NM_001322013.2); c.-228-11T>C (NM_001322012.2, NM_001322011.2); c.397-11T>C (NM_001322015.2); c.706-11T>C (NM_001322006.2, NM_001322014.2).
Identifiers: ClinVar variation 492287 (VCV000492287.6), dbSNP rs1185117521, ClinGen allele CA572548208.
Genomic context (GRCh38, chr7:5,997,434, plus strand): 5'-CACACGGAGTCACTAGGGGGCAGCTGAACAAAAGGAATGAGGCTTTGCAACTGAAAAAAA[A>G]AAAAAAAAATTCACAGTTACTTCCTAATAAAGACAGAGTGGACTTAATCTGTTTTCTTTC-3'

ClinVar aggregate classification (germline): Conflicting classifications of pathogenicity. Review status: criteria provided, conflicting classifications (1 of 4 stars). 4 submissions from 4 submitters: Uncertain significance (1); Likely benign (3). Last evaluated 2025-01-28.

Conditions:
Hereditary cancer-predisposing syndrome. Also called: Hereditary neoplastic syndrome; Tumor predisposition; Hereditary Cancer Syndrome; Neoplastic Syndromes, Hereditary. Identifiers: Orphanet 140162, MedGen C0027672, MeSH D009386, MONDO:0015356.
Lynch syndrome 4 (LYNCH4). Also called: Colorectal cancer, hereditary nonpolyposis, type 4; Hereditary non-polyposis colorectal cancer, type 4. Identifiers: Orphanet 144, MedGen C1838333, MONDO:0013699, OMIM 614337. Disease mechanism: loss of function.

Submissions (4):

Myriad Genetics, Inc.
Classification: Likely benign for Lynch syndrome 4. Last evaluated: 2025-01-28. Review status: criteria provided, single submitter. Criteria: Myriad Autosomal Dominant, Autosomal Recessive and X-Linked Classification Criteria (2023). Collection method: clinical testing. Allele origin: unknown.
Comment: This variant is considered likely benign. This variant is intronic and is not expected to impact mRNA splicing.

KCCC/NGS Laboratory, Kuwait Cancer Control Center
Classification: Likely benign for Lynch syndrome 4. Last evaluated: 2023-07-07. Review status: criteria provided, single submitter. Criteria: ACMG Guidelines, 2015. Collection method: clinical testing. Allele origin: germline. Affected: yes.

Sema4
Classification: Uncertain significance for Hereditary cancer-predisposing syndrome. Last evaluated: 2022-01-01. Review status: criteria provided, single submitter. Criteria: Sema4 Curation Guidelines. Collection method: curation. Allele origin: germline.
Comment: The PMS2 c.706-11T>C variant has not been reported in the literature to our knowledge. It was not observed in the large and broad cohorts of the Genome Aggregation Database (PMID: 32461654). The variant has been reported in ClinVar (Variation ID 492287). Splice site prediction tools suggest the variant does not disrupt normal splicing, however these predictions have not been confirmed by transcriptional studies. The evidence is insufficient to meet ACMG/AMP criteria for classifying the variant as benign or pathogenic. Thus, the clinical significance of this variant is currently uncertain.

Color Diagnostics, LLC DBA Color Health
Classification: Likely benign for Hereditary cancer-predisposing syndrome. Last evaluated: 2017-10-02. Review status: criteria provided, single submitter. Criteria: ACMG Guidelines, 2015. Collection method: clinical testing. Allele origin: germline.